The following is an entry in ClinVar:

NM_004341.5(CAD):c.5000G>A (p.Arg1667His)

Gene: CAD (carbamoyl-phosphate synthetase 2, aspartate transcarbamylase, and dihydroorotase; plus strand). Cytogenetic location: 2p23.3.
Variant type: single nucleotide variant.
Coding change: c.5000G>A on transcript NM_004341.5 (MANE Select); coding-DNA position 5000, G replaced by A.
Protein change: p.Arg1667His; replaces arginine 1667 with histidine.
Molecular consequence: missense variant.
Genome position (GRCh38, 1-based): chr2:27,238,570, G>A. VCF-style: chr2-27238570-G-A. GRCh37 (hg19) VCF-style: chr2-27461438-G-A.
Other names: c.5000G>A (NM_004341.3); c.4811G>A, p.Arg1604His (NM_001306079.2); short protein forms R1604H, R1667H.
Identifiers: ClinVar variation 2081742 (VCV002081742.3), dbSNP rs369078932, ClinGen allele CA1573717.

ClinVar aggregate classification (germline): Uncertain significance. Review status: criteria provided, multiple submitters, no conflicts (2 of 4 stars). 2 submissions from 2 submitters: Uncertain significance (2). Last evaluated 2025-06-23.

Conditions:
Inborn genetic diseases. Identifiers: MedGen C0950123, MeSH D030342.

Allele frequency attached by ClinVar (database versions not stated): gnomAD 0.00001; ExAC 0.00002; TOPMed 0.00004; ESP Exome Variant Server 0.00008.
gnomAD v4.1: 21 of 1,613,946 alleles (0.0013%); highest among the groups gnomAD compares: South Asian, 0.0066%; no homozygotes.

Submissions (2):

Labcorp Genetics (formerly Invitae), Labcorp
Classification: Uncertain significance. Last evaluated: 2025-06-23. Review status: criteria provided, single submitter. Criteria: Invitae Variant Classification Sherloc (09022015). Collection method: clinical testing. Allele origin: germline.
Comment: This sequence change replaces arginine, which is basic and polar, with histidine, which is basic and polar, at codon 1667 of the CAD protein (p.Arg1667His). This variant is present in population databases (rs369078932, gnomAD 0.01%). This variant has not been reported in the literature in individuals affected with CAD-related conditions. ClinVar contains an entry for this variant (Variation ID: 2081742). An algorithm developed to predict the effect of missense changes on protein structure and function outputs the following: PolyPhen-2: "Benign". The histidine amino acid residue is found in multiple mammalian species, which suggests that this missense change does not adversely affect protein function. In summary, the available evidence is currently insufficient to determine the role of this variant in disease. Therefore, it has been classified as a Variant of Uncertain Significance.

Ambry Genetics
Classification: Uncertain significance for Inborn genetic diseases. Last evaluated: 2025-03-09. Review status: criteria provided, single submitter. Criteria: Ambry Variant Classification Scheme 2023. Collection method: clinical testing. Allele origin: germline.